The following is an entry in ClinVar:

ClinVar aggregate classification (germline): Pathogenic (1 of 4 stars; one submission).

Submission:

Ambry Genetics
Classification: Pathogenic. Last evaluated: 2017-07-14. Review status: criteria provided, single submitter. Criteria: Ambry Variant Classification Scheme 2023. Collection method: clinical testing. Allele origin: germline.
Comment: The c.236_237delAT pathogenic mutation, located in coding exon 3 of the GBA gene, results from a deletion of two nucleotides at nucleotide positions 236 to 237, causing a translational frameshift with a predicted alternate stop codon (p.Y79*). This alteration is expected to result in loss of function by premature protein truncation or nonsense-mediated mRNA decay. As such, this alteration is interpreted as a disease-causing mutation.

NM_000157.4(GBA1):c.236_237del (p.Arg78_Tyr79insTer)

Genes: GBA1 (glucosylceramidase beta 1; minus strand), LOC106627981 (GBA recombination region; plus strand). Cytogenetic location: 1q22.
Variant type: Deletion.
Coding change: c.236_237del on transcript NM_000157.4 (MANE Select); coding-DNA positions 236 to 237, 2 bases deleted (AT; older notation c.236_237delAT).
Protein change: p.Arg78_Tyr79insTer.
Molecular consequence: nonsense. On other transcripts: 5 prime UTR variant (1).
Genome position (GRCh38, 1-based): chr1:155,239,956-155,239,957, AT deleted on the plus strand (AT on the coding strand, the reverse complement: GBA1 is on the minus strand); deleting any 2 consecutive bases within chr1:155,239,956-155,239,958 gives the same sequence; the c. name uses the placement nearest the transcript's 3' end. VCF-style (leftmost placement, unchanged base first): chr1-155239955-CAT-C. GRCh37 (hg19) VCF-style: chr1-155209746-CAT-C.
Other names: c.236_237del, p.Arg78_Tyr79insTer (NM_001005741.3, NM_001005742.3, NM_001171812.2); c.-26_-25del (NM_001171811.2).
Identifiers: ClinVar variation 1799756 (VCV001799756.2), dbSNP rs2524846900, ClinGen allele CA2580061121.